The following is an entry in ClinVar:

ClinVar aggregate classification (germline): Uncertain significance (1 of 4 stars; one submission).

Conditions:
GM3 synthase deficiency (SPDRS). Also called: AMISH INFANTILE EPILEPSY SYNDROME; SALT AND PEPPER MENTAL RETARDATION SYNDROME; SALT AND PEPPER DEVELOPMENTAL REGRESSION SYNDROME. Identifiers: Orphanet 171714, Orphanet 370933, MedGen C1836824, MONDO:0018274, OMIM 609056.

gnomAD v4.1: 2 of 1,613,796 alleles (0.00012%); highest among the groups gnomAD compares: Non-Finnish European, 0.00017%; no homozygotes.

Submission:

Labcorp Genetics (formerly Invitae), Labcorp
Classification: Uncertain significance for GM3 synthase deficiency. Last evaluated: 2022-02-10. Review status: criteria provided, single submitter. Criteria: Invitae Variant Classification Sherloc (09022015). Collection method: clinical testing. Allele origin: germline.
Comment: This sequence change replaces aspartic acid, which is acidic and polar, with histidine, which is basic and polar, at codon 217 of the ST3GAL5 protein (p.Asp217His). This variant is present in population databases (rs767789131, gnomAD 0.0009%). This variant has not been reported in the literature in individuals affected with ST3GAL5-related conditions. Algorithms developed to predict the effect of missense changes on protein structure and function (SIFT, PolyPhen-2, Align-GVGD) all suggest that this variant is likely to be disruptive. In summary, the available evidence is currently insufficient to determine the role of this variant in disease. Therefore, it has been classified as a Variant of Uncertain Significance.

NM_003896.4(ST3GAL5):c.649G>C (p.Asp217His)

Gene: ST3GAL5 (ST3 beta-galactoside alpha-2,3-sialyltransferase 5; minus strand). Cytogenetic location: 2p11.2.
Variant type: single nucleotide variant.
Coding change: c.649G>C on transcript NM_003896.4 (MANE Select); coding-DNA position 649, G replaced by C.
Protein change: p.Asp217His; replaces aspartic acid 217 with histidine.
Molecular consequence: missense variant. On other transcripts: 5 prime UTR variant (1).
Genome position (GRCh38, 1-based): chr2:85,847,874, C>G on the plus strand (G>C on the coding strand, the complement: ST3GAL5 is on the minus strand). VCF-style: chr2-85847874-C-G. GRCh37 (hg19) VCF-style: chr2-86074997-C-G.
Other names: c.580G>C, p.Asp194His (NM_001042437.2); c.265G>C, p.Asp89His (NM_001354223.2, NM_001354224.2, NM_001354226.2 and 3 more transcripts); c.565G>C, p.Asp189His (NM_001354227.2, NM_001354229.2, NM_001354238.1); c.-256G>C (NM_001354247.1); c.649G>C, p.Asp217His (NM_001363847.1); short protein forms D189H, D217H, D89H, D194H.
Identifiers: ClinVar variation 1433637 (VCV001433637.8), dbSNP rs767789131, ClinGen allele CA1745009.